The following is an entry in ClinVar:

NM_001184880.2(PCDH19):c.812G>T (p.Gly271Val)

Gene: PCDH19 (protocadherin 19; minus strand). Cytogenetic location: Xq22.1.
Variant type: single nucleotide variant.
Coding change: c.812G>T on transcript NM_001184880.2 (MANE Select); coding-DNA position 812, G replaced by T.
Protein change: p.Gly271Val; replaces glycine 271 with valine.
Molecular consequence: missense variant.
Genome position (GRCh38, 1-based): chrX:100,407,786, C>A on the plus strand (G>T on the coding strand, the complement: PCDH19 is on the minus strand). VCF-style: chrX-100407786-C-A. GRCh37 (hg19) VCF-style: chrX-99662784-C-A.
Other names: c.812G>T, p.Gly271Val (NM_001105243.2, NM_020766.3); short protein forms G271V.
Identifiers: ClinVar variation 1356893 (VCV001356893.8), dbSNP rs2147540502, ClinGen allele CA414007979.

ClinVar aggregate classification (germline): Uncertain significance (1 of 4 stars; one submission).

Conditions:
Developmental and epileptic encephalopathy, 9 (DEE9). Also called: EPILEPSY, FEMALE-RESTRICTED, WITH MENTAL RETARDATION; PCDH19-Related X-Linked Female-Limited Epilepsy with Mental Retardation; Early infantile epileptic encephalopathy 9; JUBERG-HELLMAN SYNDROME. Identifiers: Orphanet 101039, Orphanet 2076, MedGen C1848137, MONDO:0010246, OMIM 300088. Disease mechanism: loss of function.

Submission:

Labcorp Genetics (formerly Invitae), Labcorp
Classification: Uncertain significance for Developmental and epileptic encephalopathy, 9. Last evaluated: 2021-05-28. Review status: criteria provided, single submitter. Criteria: Invitae Variant Classification Sherloc (09022015). Collection method: clinical testing. Allele origin: germline.
Comment: This sequence change replaces glycine with valine at codon 271 of the PCDH19 protein (p.Gly271Val). The glycine residue is highly conserved and there is a moderate physicochemical difference between glycine and valine. This variant is not present in population databases (ExAC no frequency). This variant has not been reported in the literature in individuals with PCDH19-related conditions. Advanced modeling of protein sequence and biophysical properties (such as structural, functional, and spatial information, amino acid conservation, physicochemical variation, residue mobility, and thermodynamic stability) performed at Invitae indicates that this missense variant is expected to disrupt PCDH19 protein function. In summary, the available evidence is currently insufficient to determine the role of this variant in disease. Therefore, it has been classified as a Variant of Uncertain Significance.